The following is an entry in ClinVar:

NM_003139.4(SRPRA):c.240C>T (p.Asp80=)

Gene: SRPRA (SRP receptor subunit alpha; minus strand). Cytogenetic location: 11q24.2.
Variant type: single nucleotide variant.
Coding change: c.240C>T on transcript NM_003139.4 (MANE Select); coding-DNA position 240, C replaced by T.
Protein change: p.Asp80=; no amino-acid change (aspartic acid 80 retained).
Molecular consequence: synonymous variant.
Genome position (GRCh38, 1-based): chr11:126,267,674, G>A on the plus strand (C>T on the coding strand, the complement: SRPRA is on the minus strand). VCF-style: chr11-126267674-G-A. GRCh37 (hg19) VCF-style: chr11-126137569-G-A.
Other names: c.156C>T, p.Asp52= (NM_001177842.2).
Identifiers: ClinVar variation 2642526 (VCV002642526.24), dbSNP rs766884357, ClinGen allele CA6353759.

ClinVar aggregate classification (germline): Likely benign (1 of 4 stars; one submission).

Allele frequency attached by ClinVar (database versions not stated): ExAC 0.00001; gnomAD exomes 0.00001; TOPMed 0.00003.
gnomAD v4.1: 20 of 1,614,128 alleles (0.0012%); highest among the groups gnomAD compares: Middle Eastern, 0.016%; no homozygotes.

Submission:

CeGaT Center for Human Genetics Tuebingen
Classification: Likely benign. Last evaluated: 2023-01-01. Review status: criteria provided, single submitter. Criteria: CeGaT Center For Human Genetics Tuebingen Variant Classification Criteria Version 2. Collection method: clinical testing. Allele origin: germline. Affected: yes. Observed: 1 variant allele.
Comment: SRPRA: BP4, BP7